The following is an entry in ClinVar:

NM_000443.4(ABCB4):c.1731+5G>C

Gene: ABCB4 (ATP binding cassette subfamily B member 4; minus strand). Cytogenetic location: 7q21.12.
Variant type: single nucleotide variant.
Coding change: c.1731+5G>C on transcript NM_000443.4 (MANE Select); 5 bases into the intron after coding-DNA position 1731, G replaced by C.
Molecular consequence: intron variant.
Genome position (GRCh38, 1-based): chr7:87,439,662, C>G on the plus strand (G>C on the coding strand, the complement: ABCB4 is on the minus strand). VCF-style: chr7-87439662-C-G. GRCh37 (hg19) VCF-style: chr7-87068978-C-G.
Other names: c.1731+5G>C (NM_018850.3, NM_018849.3).
Identifiers: ClinVar variation 4846343 (VCV004846343.1).

ClinVar aggregate classification (germline): Uncertain significance (1 of 4 stars; one submission).

Conditions:
Familial intrahepatic cholestasis. Identifiers: Orphanet 284385, MedGen CN296401, MONDO:0017290.

Submission:

Genomenon, Inc
Classification: Uncertain significance for Familial intrahepatic cholestasis. Last evaluated: 2026-04-14. Review status: criteria provided, single submitter. Criteria: Genomenon Sequence Variant Interpretation Standards - Updated. Collection method: curation. Allele origin: germline. Affected: yes.
Comment: ABCB4 c.1731+5G>C is an intronic variant located in the donor splice region of intron 14. This variant has been observed in at least one proband with an ABCB4-related disorder (PMID:29304564). It is absent or not present at a significant frequency in gnomAD. In silico models predict that this variant is possibly or probably damaging. In conclusion, we classify ABCB4 c.1731+5G>C as a variant of uncertain significance.

Literature cited by the submitters: PubMed 29304564.